The following is an entry in ClinVar:

NM_000393.5(COL5A2):c.-16_-15insCTAACCCACATCAT

Gene: COL5A2 (collagen type V alpha 2 chain; minus strand). Cytogenetic location: 2q32.2.
Variant type: Insertion.
Coding change: c.-16_-15insCTAACCCACATCAT on transcript NM_000393.5 (MANE Select); 16 bases upstream of the start codon through 15 bases upstream of the start codon, CTAACCCACATCAT inserted.
Molecular consequence: 5 prime UTR variant.
Genome position: GRCh38 VCF-style: chr2-189179619-C-CATGATGTGGGTTAG. GRCh37 (hg19) VCF-style: chr2-190044345-C-CATGATGTGGGTTAG.
Identifiers: ClinVar variation 213088 (VCV000213088.1), dbSNP rs765138557, ClinGen allele CA323993.
Genomic context (GRCh38, chr2:189,179,619, plus strand): 5'-CAATAAGAATGAGGAGAGGTCTTGCTTCCGCCCAGTTTGCCATCATGTCTAAATATTAGA[C>CATGATGTGGGTTAG]ATGTGGGTTCTCCTGAGAGTGAAAAGTAGATTCTGAGGTTATTGTAGCACCATGAAGTCA-3'

ClinVar aggregate classification (germline): Likely benign (1 of 4 stars; one submission).

Submission:

GeneDx
Classification: Likely benign. Last evaluated: 2015-03-03. Review status: criteria provided, single submitter. Criteria: GeneDx Variant Classification (06012015). Collection method: clinical testing. Allele origin: germline. Affected: yes.
Comment: This variant was found in TAADV2-1